The following is an entry in ClinVar:

ClinVar aggregate classification (germline): Uncertain significance (1 of 4 stars; one submission).

gnomAD v4.1: 35 of 1,614,192 alleles (0.0022%); highest among the groups gnomAD compares: Admixed American, 0.0033%; no homozygotes.

Submission:

Labcorp Genetics (formerly Invitae), Labcorp
Classification: Uncertain significance. Last evaluated: 2025-03-29. Review status: criteria provided, single submitter. Criteria: Invitae Variant Classification Sherloc (09022015). Collection method: clinical testing. Allele origin: germline.
Comment: This sequence change replaces isoleucine, which is neutral and non-polar, with threonine, which is neutral and polar, at codon 236 of the ATP2B2 protein (p.Ile236Thr). This variant is present in population databases (rs535964962, gnomAD 0.006%). This variant has not been reported in the literature in individuals affected with ATP2B2-related conditions. Invitae Evidence Modeling of protein sequence and biophysical properties (such as structural, functional, and spatial information, amino acid conservation, physicochemical variation, residue mobility, and thermodynamic stability) indicates that this missense variant is not expected to disrupt ATP2B2 protein function with a negative predictive value of 80%. In summary, the available evidence is currently insufficient to determine the role of this variant in disease. Therefore, it has been classified as a Variant of Uncertain Significance.

NM_001001331.4(ATP2B2):c.707T>C (p.Ile236Thr)

Gene: ATP2B2 (ATPase plasma membrane Ca2+ transporting 2; minus strand). Cytogenetic location: 3p25.3.
Variant type: single nucleotide variant.
Coding change: c.707T>C on transcript NM_001001331.4 (MANE Select); coding-DNA position 707, T replaced by C.
Protein change: p.Ile236Thr; replaces isoleucine 236 with threonine.
Molecular consequence: missense variant.
Genome position (GRCh38, 1-based): chr3:10,401,027, A>G on the plus strand (T>C on the coding strand, the complement: ATP2B2 is on the minus strand). VCF-style: chr3-10401027-A-G. GRCh37 (hg19) VCF-style: chr3-10442711-A-G.
Other names: c.707T>C, p.Ile236Thr (NM_001330611.3, NM_001353564.1, NM_001363862.1 and 3 more transcripts); short protein forms I236T.
Identifiers: ClinVar variation 4807476 (VCV004807476.1).